The following is an entry in ClinVar:

NM_001846.4(COL4A2):c.1727G>A (p.Ser576Asn)

Genes: COL4A2 (collagen type IV alpha 2 chain; plus strand), COL4A2-AS2 (COL4A2 antisense RNA 2; minus strand). Cytogenetic location: 13q34.
Variant type: single nucleotide variant.
Coding change: c.1727G>A on transcript NM_001846.4 (MANE Select); coding-DNA position 1727, G replaced by A.
Protein change: p.Ser576Asn; replaces serine 576 with asparagine.
Molecular consequence: missense variant.
Genome position (GRCh38, 1-based): chr13:110,462,335, G>A. VCF-style: chr13-110462335-G-A. GRCh37 (hg19) VCF-style: chr13-111114682-G-A.
Other names: short protein forms S576N.
Identifiers: ClinVar variation 426788 (VCV000426788.2), dbSNP rs1085307799, ClinGen allele CA388738876.

ClinVar aggregate classification (germline): Uncertain significance (1 of 4 stars; one submission).

Allele frequency attached by ClinVar (database versions not stated): gnomAD exomes below 0.00001.
gnomAD v4.1: 1 of 1,614,080 alleles (0.000062%); highest among the groups gnomAD compares: South Asian, 0.0011%; no homozygotes.

Submission:

GeneDx
Classification: Uncertain significance. Last evaluated: 2017-04-04. Review status: criteria provided, single submitter. Criteria: GeneDx Variant Classification (06012015). Collection method: clinical testing. Allele origin: germline. Affected: yes.
Comment: The S576N variant in the COL4A2 gene has not been reported previously as a pathogenic variant, nor as a benign variant, to our knowledge. The S576N variant is not observed in large population cohorts (Lek et al., 2016; 1000 Genomes Consortium et al., 2015; Exome Variant Server). The S576N variant is a conservative amino acid substitution, which is not likely to impact secondary protein structure as these residues share similar properties. This substitution occurs at a position that is not conserved, and in silico analysis predicts this variant likely does not alter the protein structure/function. We interpret S576N as a variant of uncertain significance.